The following is an entry in ClinVar:

ClinVar aggregate classification (germline): Benign/Likely benign. Review status: criteria provided, multiple submitters, no conflicts (2 of 4 stars). 4 submissions from 4 submitters: Benign (3); Likely benign (1). Last evaluated 2026-02-01.

Conditions:
Hepatic veno-occlusive disease-immunodeficiency syndrome. Also called: Hepatic Veno-Occlusive Disease with Immunodeficiency. Identifiers: Orphanet 79124, MedGen C1856128, MONDO:0009338, OMIM 235550. Disease mechanism: loss of function.

Allele frequency attached by ClinVar (database versions not stated): ESP Exome Variant Server 0.00015; gnomAD 0.00036 and 0.00063; TOPMed 0.00057; gnomAD exomes 0.00074 and 0.00103; ExAC 0.00122; 1000 Genomes Project 0.00300; 1000 Genomes Project 30x 0.00312.
gnomAD v4.1: 1,149 of 1,598,504 alleles (0.072%); highest among the groups gnomAD compares: East Asian, 2.2%; 12 homozygotes.

Submissions (4):

Labcorp Genetics (formerly Invitae), Labcorp
Classification: Benign for Hepatic veno-occlusive disease-immunodeficiency syndrome. Last evaluated: 2026-02-01. Review status: criteria provided, single submitter. Criteria: Invitae Variant Classification Sherloc (09022015). Collection method: clinical testing. Allele origin: germline.

Blueprint Genetics
Classification: Likely benign. Last evaluated: 2024-10-11. Review status: criteria provided, single submitter. Criteria: ACMG Guidelines, 2015. Collection method: clinical testing. Allele origin: germline.

Illumina Laboratory Services, Illumina
Classification: Benign for Hepatic veno-occlusive disease-immunodeficiency syndrome. Last evaluated: 2017-04-27. Review status: criteria provided, single submitter. Criteria: ICSL Variant Classification Criteria 13 December 2019. Collection method: clinical testing. Allele origin: germline.
Comment: This variant was observed as part of a predisposition screen in an ostensibly healthy population. A literature search was performed for the gene, cDNA change, and amino acid change (where applicable). Publications were found based on this search. The evidence from the literature, in combination with allele frequency data from public databases where available, was sufficient to rule this variant out of causing disease. Therefore, this variant is classified as benign.

Breakthrough Genomics
Classification: Benign. Review status: criteria provided, single submitter. Criteria: ACMG Guidelines, 2015. Collection method: not provided. Allele origin: germline. Inheritance: Autosomal recessive inheritance. Affected: yes.

Literature cited by the submitters: PubMed 16803959 (cited by Illumina Laboratory Services, Illumina); PubMed 21536091 (cited by Illumina Laboratory Services, Illumina).

NM_080424.4(SP110):c.745A>G (p.Met249Val)

Genes: SP110 (SP110 nuclear body protein; minus strand), SP140 (SP140 nuclear body protein; plus strand). Cytogenetic location: 2q37.1.
Variant type: single nucleotide variant.
Coding change: c.745A>G on transcript NM_080424.4 (MANE Select); coding-DNA position 745, A replaced by G.
Protein change: p.Met249Val; replaces methionine 249 with valine.
Molecular consequence: missense variant.
Genome position (GRCh38, 1-based): chr2:230,211,476, T>C on the plus strand (A>G on the coding strand, the complement: SP110 is on the minus strand). VCF-style: chr2-230211476-T-C. GRCh37 (hg19) VCF-style: chr2-231076191-T-C.
Other names: c.763A>G, p.Met255Val (NM_001185015.2, NM_001378442.1, NM_001378444.1 and 2 more transcripts); c.745A>G, p.Met249Val (NM_001378443.1, NM_001378447.1, NM_004509.5 and 1 more transcripts); short protein forms M255V, M249V.
Identifiers: ClinVar variation 712934 (VCV000712934.16), dbSNP rs3769838, ClinGen allele CA2154750.